The following is an entry in ClinVar:

ClinVar aggregate classification (germline): Uncertain significance. Review status: criteria provided, single submitter (1 of 4 stars). 2 submissions from 2 submitters: Uncertain significance (1). 1 of the submissions does not count toward it. Last evaluated 2022-02-28.

Conditions:
Leukodystrophy, hypomyelinating, 8, with or without oligodontia and/or hypogonadotropic hypogonadism. Also called: LEUKODYSTROPHY, HYPOMYELINATING, 8, WITH HYPODONTIA AND HYPOGONADOTROPIC HYPOGONADISM; Hypomyelinating leukodystrophy 8 with or without oligodontia and-or hypogonadotropic hypogonadism; Endosteal sclerosis-cerebellar hypoplasia syndrome. Identifiers: Orphanet 85186, Orphanet 88637, MedGen C3280644, MONDO:0013722, OMIM 614381.

Allele frequency attached by ClinVar (database versions not stated): gnomAD exomes below 0.00001; ExAC 0.00001.

Submissions (2):

Broad Center for Mendelian Genomics, Broad Institute of MIT and Harvard
Classification: Uncertain significance for Leukodystrophy, hypomyelinating, 8, with or without oligodontia and/or hypogonadotropic hypogonadism. Last evaluated: 2022-02-28. Review status: criteria provided, single submitter. Criteria: ACMG Guidelines, 2015. Collection method: curation. Allele origin: germline. Inheritance: Autosomal recessive inheritance.
Comment: The p.Leu727Ser variant in POLR3B has been reported in 1 compound heterozygous individual with 4H leukodystrophy (PMID: 25339210) and has been identified in 0.0009% (1/113304) of European (non-Finnish) chromosomes by the Genome Aggregation Database (gnomAD; dbSNP ID: rs758867273). Although this variant has been seen in the general population in a heterozygous state, its frequency is low enough to be consistent with a recessive carrier frequency. This variant has also been reported in ClinVar (Variation ID#: 1184068) and has been interpreted as pathogenic by GeneReviews. Computational prediction tools and conservation analyses suggest that this variant may impact the protein, though this information is not predictive enough to determine pathogenicity. The number of missense variants reported in POLR3B in the general population is lower than expected, suggesting there is little benign variation in this gene and slightly increasing the possibility that a missense variant in this gene may not be tolerated. In summary, the clinical significance of the p.Leu727Ser variant is uncertain. ACMG/AMP Criteria applied: PM2_supporting, PP3, PP2 (Richards 2015).

GeneReviews
No classification provided. Condition: Leukodystrophy, hypomyelinating, 8, with or without oligodontia and/or hypogonadotropic hypogonadism. Review status: no classification provided. Collection method: literature only. Allele origin: germline. Not counted in ClinVar's aggregate classification.

Literature cited by the submitters: PubMed 25339210 (cited by GeneReviews); PubMed 22855961 (cited by GeneReviews).

NM_018082.6(POLR3B):c.2180T>C (p.Leu727Ser)

Gene: POLR3B (RNA polymerase III subunit B; plus strand). Cytogenetic location: 12q23.3.
Variant type: single nucleotide variant.
Coding change: c.2180T>C on transcript NM_018082.6 (MANE Select); coding-DNA position 2180, T replaced by C.
Protein change: p.Leu727Ser; replaces leucine 727 with serine.
Molecular consequence: missense variant.
Genome position (GRCh38, 1-based): chr12:106,454,598, T>C. VCF-style: chr12-106454598-T-C. GRCh37 (hg19) VCF-style: chr12-106848376-T-C.
Other names: NM_018082.6(POLR3B):c.2180T>C; p.Leu727Ser; c.2006T>C, p.Leu669Ser (NM_001160708.2); short protein forms L669S, L727S.
Identifiers: ClinVar variation 1184068 (VCV001184068.4), dbSNP rs758867273, ClinGen allele CA6762139.